The following is an entry in ClinVar:

NM_017617.5(NOTCH1):c.6295G>C (p.Asp2099His)

Gene: NOTCH1 (notch receptor 1; minus strand). Cytogenetic location: 9q34.3.
Variant type: single nucleotide variant.
Coding change: c.6295G>C on transcript NM_017617.5 (MANE Select); coding-DNA position 6295, G replaced by C.
Protein change: p.Asp2099His; replaces aspartic acid 2099 with histidine.
Molecular consequence: missense variant.
Genome position (GRCh38, 1-based): chr9:136,497,444, C>G on the plus strand (G>C on the coding strand, the complement: NOTCH1 is on the minus strand). VCF-style: chr9-136497444-C-G. GRCh37 (hg19) VCF-style: chr9-139391896-C-G.
Other names: short protein forms D2099H.
Identifiers: ClinVar variation 2659744 (VCV002659744.24), dbSNP rs766745955, ClinGen allele CA375632048.
Genomic context (GRCh38, chr9:136,497,444, plus strand): 5'-CCAGGTTGTACTCGTCCAGCAGCCTCACGATGTCGTGATGCATGCGCTCCTGTGCGATGT[C>G]GCGCGGCAGGCGGTCCATATGATCCGTGATGTCCCGGTTGGCAAAGTGGTCCAGCAGCAC-3'
Protein context (NP_060087.3, residues 2089-2109): ITDHMDRLPR[Asp2099His]IAQERMHHDI

ClinVar aggregate classification (germline): Uncertain significance (1 of 4 stars; one submission).

Submission:

CeGaT Center for Human Genetics Tuebingen
Classification: Uncertain significance. Last evaluated: 2022-06-01. Review status: criteria provided, single submitter. Criteria: CeGaT Center For Human Genetics Tuebingen Variant Classification Criteria Version 2. Collection method: clinical testing. Allele origin: germline. Affected: yes. Observed: 1 variant allele.
Comment: NOTCH1: PM2, PP2